The following is an entry in ClinVar:

NM_006031.6(PCNT):c.228C>T (p.Asp76=)

Gene: PCNT (pericentrin; plus strand). Cytogenetic location: 21q22.3.
Variant type: single nucleotide variant.
Coding change: c.228C>T on transcript NM_006031.6 (MANE Select); coding-DNA position 228, C replaced by T.
Protein change: p.Asp76=; no amino-acid change (aspartic acid 76 retained).
Molecular consequence: synonymous variant. On other transcripts: 5 prime UTR variant (1).
Genome position (GRCh38, 1-based): chr21:46,326,550, C>T. VCF-style: chr21-46326550-C-T. GRCh37 (hg19) VCF-style: chr21-47746464-C-T.
Other names: c.-127C>T (NM_001315529.2).
Identifiers: ClinVar variation 3029446 (VCV003029446.2), dbSNP rs753982432, ClinGen allele CA10078174.

ClinVar aggregate classification (germline): Likely benign (0 of 4 stars; one submission).

Conditions:
PCNT-related disorder. Also called: PCNT-related condition.

Allele frequency attached by ClinVar (database versions not stated): ExAC 0.00001; gnomAD exomes 0.00001.
gnomAD v4.1: 4 of 1,614,094 alleles (0.00025%); highest among the groups gnomAD compares: South Asian, 0.0033%; no homozygotes.

Submission:

PreventionGenetics, part of Exact Sciences
Classification: Likely benign for PCNT-related condition. Last evaluated: 2021-08-27. Review status: no assertion criteria provided. Collection method: clinical testing. Allele origin: germline.
Comment: This variant is classified as likely benign based on ACMG/AMP sequence variant interpretation guidelines (Richards et al. 2015 PMID: 25741868, with internal and published modifications).